The following is an entry in ClinVar:

ClinVar aggregate classification (germline): Uncertain significance (1 of 4 stars; one submission).

Submission:

Labcorp Genetics (formerly Invitae), Labcorp
Classification: Uncertain significance. Last evaluated: 2024-08-15. Review status: criteria provided, single submitter. Criteria: Invitae Variant Classification Sherloc (09022015). Collection method: clinical testing. Allele origin: germline.
Comment: This sequence change replaces proline, which is neutral and non-polar, with serine, which is neutral and polar, at codon 1537 of the FLNB protein (p.Pro1537Ser). This variant is not present in population databases (gnomAD no frequency). This variant has not been reported in the literature in individuals affected with FLNB-related conditions. Invitae Evidence Modeling of protein sequence and biophysical properties (such as structural, functional, and spatial information, amino acid conservation, physicochemical variation, residue mobility, and thermodynamic stability) indicates that this missense variant is not expected to disrupt FLNB protein function with a negative predictive value of 95%. In summary, the available evidence is currently insufficient to determine the role of this variant in disease. Therefore, it has been classified as a Variant of Uncertain Significance.

NM_001457.4(FLNB):c.4609C>T (p.Pro1537Ser)

Gene: FLNB (filamin B; plus strand). Cytogenetic location: 3p14.3.
Variant type: single nucleotide variant.
Coding change: c.4609C>T on transcript NM_001457.4 (MANE Select); coding-DNA position 4609, C replaced by T.
Protein change: p.Pro1537Ser; replaces proline 1537 with serine.
Molecular consequence: missense variant.
Genome position (GRCh38, 1-based): chr3:58,134,710, C>T. VCF-style: chr3-58134710-C-T. GRCh37 (hg19) VCF-style: chr3-58120437-C-T.
Other names: c.4702C>T, p.Pro1568Ser (NM_001164317.2); c.4609C>T, p.Pro1537Ser (NM_001164318.2, NM_001164319.2); short protein forms P1537S, P1568S.
Identifiers: ClinVar variation 3667056 (VCV003667056.2).